The following is an entry in ClinVar:

ClinVar aggregate classification (germline): Uncertain significance (1 of 4 stars; one submission).

Conditions:
Hereditary breast ovarian cancer syndrome. Also called: Hereditary breast and ovarian cancer; Breast and ovarian cancer; Hereditary breast and ovarian cancer syndrome; BRCA1- and BRCA2-Associated Hereditary Breast and Ovarian Cancer; Hereditary breast and/or ovarian cancer syndrome; Hereditary breast and ovarian cancer syndrome (HBOC). Identifiers: Orphanet 145, MedGen C0677776, MeSH D061325, MONDO:0003582. Disease mechanism: loss of function.

Submission:

Labcorp Genetics (formerly Invitae), Labcorp
Classification: Uncertain significance for Hereditary breast ovarian cancer syndrome. Last evaluated: 2024-05-28. Review status: criteria provided, single submitter. Criteria: Invitae Variant Classification Sherloc (09022015). Collection method: clinical testing. Allele origin: germline.
Comment: This sequence change creates a premature translational stop signal (p.Gln206Thrfs*10) in the BRCA1 gene. Loss-of-function variants in BRCA1 are expected to be pathogenic (PMID: 20104584). However, an in-frame BRCA1 isoform lacking exons 8 and 9 (also known as exons 9 and 10) is highly expressed in blood from unaffected individuals and in normal breast tissue; this isoform may retain protein function and could functionally rescue loss-of-function variants within exons 8-9 (PMID: 24569164). This variant is not present in population databases (gnomAD no frequency). This variant has not been reported in the literature in individuals affected with BRCA1-related conditions. ClinVar contains an entry for this variant (Variation ID: 577569). Algorithms developed to predict the effect of sequence changes on RNA splicing suggest that this variant may disrupt the consensus splice site. In summary, the available evidence is currently insufficient to determine the role of this variant in disease. Therefore, it has been classified as a Variant of Uncertain Significance.

Literature cited by the submitters: PubMed 20104584; PubMed 24569164.

NM_007294.4(BRCA1):c.615dup (p.Gln206fs)

Gene: BRCA1 (BRCA1 DNA repair associated; minus strand). Cytogenetic location: 17q21.31.
Variant type: Duplication.
Coding change: c.615dup on transcript NM_007294.4 (MANE Select); coding-DNA position 615, one base duplicated (A; older notation c.615dupA).
Protein change: p.Gln206fs; shifts the reading frame from glutamine 206.
Molecular consequence: frameshift variant. On other transcripts: non-coding transcript variant (1).
Genome position (GRCh38, 1-based): chr17:43,095,901, T duplicated on the plus strand (A on the coding strand, the reverse complement: BRCA1 is on the minus strand). VCF-style (leftmost placement, unchanged base first): chr17-43095900-G-GT. GRCh37 (hg19) VCF-style: chr17-41247917-G-GT.
Other names: c.474dup, p.Gln159Thrfs (NM_001407945.1, NM_001407692.1, NM_001407694.1 and 42 more transcripts); c.537dup, p.Gln180Thrfs (NM_001408412.1, NM_001408414.1, NM_001408415.1 and 9 more transcripts); c.402dup, p.Gln135Thrfs (NM_001408491.1, NM_001408493.1, NM_001407571.1 and 12 more transcripts); c.234dup, p.Gln79Thrfs (NM_001407959.1, NM_001407963.1, NM_001408510.1 and 1 more transcripts); c.534dup, p.Gln179Thrfs (NM_001408413.1, NM_001408416.1, NM_001407659.1 and 3 more transcripts); c.405dup, p.Gln136Thrfs (NM_001408507.1, NM_001408506.1, NM_001408492.1 and 27 more transcripts); c.615dup, p.Gln206Thrfs (NM_001408418.1, NM_001408419.1, NM_001407968.1 and 57 more transcripts); c.471dup, p.Gln158Thrfs (NM_001407964.1, NM_001407740.1, NM_001407741.1 and 26 more transcripts); and 7 more; short protein forms Q159fs, Q206fs.
Identifiers: ClinVar variation 577569 (VCV000577569.10), dbSNP rs1567803215, ClinGen allele CA891844214.